The following is an entry in ClinVar:

ClinVar aggregate classification (germline): Uncertain significance (1 of 4 stars; one submission).

Conditions:
Autosomal recessive complex spastic paraplegia type 9B. Also called: Spastic paraplegia 9b, autosomal recessive. Identifiers: Orphanet 447760, MedGen C5568980, MONDO:0014702, OMIM 616586.
ALDH18A1-related de Barsy syndrome. Also called: DE BARSY SYNDROME A; Cutis laxa, autosomal recessive IIIA. Identifiers: Orphanet 2962, Orphanet 35664, MedGen C5234852, MONDO:0009053, OMIM 219150.
Autosomal dominant spastic paraplegia type 9. Identifiers: MedGen C1832669, MONDO:0015091.
Cutis laxa, autosomal dominant 3 (ADCL3). Identifiers: Orphanet 90348, MedGen C4225268, MONDO:0014706, OMIM 616603.
de Barsy syndrome. Also called: Cutis laxa-corneal clouding-oligophrenia syndrome. Identifiers: Orphanet 2962, MedGen C0268354, MONDO:0017569.

Allele frequency attached by ClinVar (database versions not stated): gnomAD exomes below 0.00001.
gnomAD v4.1: 2 of 1,614,100 alleles (0.00012%); highest among the groups gnomAD compares: Non-Finnish European, 0.00017%; no homozygotes.

Submission:

Labcorp Genetics (formerly Invitae), Labcorp
Classification: Uncertain significance for Autosomal dominant spastic paraplegia type 9; de Barsy syndrome; Cutis laxa, autosomal dominant 3. Last evaluated: 2021-04-18. Review status: criteria provided, single submitter. Criteria: Invitae Variant Classification Sherloc (09022015). Collection method: clinical testing. Allele origin: germline.
Comment: Nucleotide substitutions within the consensus splice site are a relatively common cause of aberrant splicing (PMID: 17576681, 9536098). Algorithms developed to predict the effect of sequence changes on RNA splicing suggest that this variant may create or strengthen a splice site, but this prediction has not been confirmed by published transcriptional studies. This sequence change falls in intron 9 of the ALDH18A1 gene. It does not directly change the encoded amino acid sequence of the ALDH18A1 protein. It affects a nucleotide within the consensus splice site of the intron. This variant is not present in population databases (ExAC no frequency). This variant has not been reported in the literature in individuals with ALDH18A1-related conditions. In summary, the available evidence is currently insufficient to determine the role of this variant in disease. Therefore, it has been classified as a Variant of Uncertain Significance.

Literature cited by the submitters: PubMed 17576681 (cited by Labcorp Genetics (formerly Invitae), Labcorp); PubMed 9536098 (cited by Labcorp Genetics (formerly Invitae), Labcorp).

NM_002860.4(ALDH18A1):c.1078+5A>G

Gene: ALDH18A1 (aldehyde dehydrogenase 18 family member A1; minus strand). Cytogenetic location: 10q24.1.
Variant type: single nucleotide variant.
Coding change: c.1078+5A>G on transcript NM_002860.4 (MANE Select); 5 bases into the intron after coding-DNA position 1078, A replaced by G.
Molecular consequence: intron variant.
Genome position (GRCh38, 1-based): chr10:95,627,437, T>C on the plus strand (A>G on the coding strand, the complement: ALDH18A1 is on the minus strand). VCF-style: chr10-95627437-T-C. GRCh37 (hg19) VCF-style: chr10-97387194-T-C.
Other names: c.442+5A>G (NM_001323419.2); c.745+5A>G (NM_001323412.2, NM_001323416.2); c.973+5A>G (NM_001323417.2); c.1072+5A>G (NM_001017423.2, NM_001323415.2); c.739+5A>G (NM_001323418.2); c.1078+5A>G (NM_001323413.2, NM_001323414.2).
Identifiers: ClinVar variation 1523847 (VCV001523847.8), dbSNP rs2139591190, ClinGen allele CA2573049005.
Genomic context (GRCh38, chr10:95,627,437, plus strand): 5'-TCTAACTAAGCCAGGTGTCACTAGTTCCCATCACAGGCCTTGGGACCTTATGAAGAACTA[T>C]TTACCTGCAGGCTTTACTTCTGAAAAGAAGGTACCAACTTTCTTCCCCTCCACAATGTCT-3'